The following is an entry in ClinVar:

ClinVar aggregate classification (germline): Uncertain significance. Review status: criteria provided, multiple submitters, no conflicts (2 of 4 stars). 2 submissions from 2 submitters: Uncertain significance (2). Last evaluated 2024-03-07.

Conditions:
Familial thoracic aortic aneurysm and aortic dissection (TAAD). Also called: Thoracic aortic aneurysms and dissections. Identifiers: Orphanet 91387, MedGen C4707243, MONDO:0019625.
Aortic aneurysm, familial thoracic 4 (AAT4). Also called: AORTIC ANEURYSM/AORTIC DISSECTION AND PATENT DUCTUS ARTERIOSUS. Identifiers: MedGen C1851504, MONDO:0007568, OMIM 132900.

Submissions (2):

Color Diagnostics, LLC DBA Color Health
Classification: Uncertain significance for Familial thoracic aortic aneurysm and aortic dissection. Last evaluated: 2024-03-07. Review status: criteria provided, single submitter. Criteria: ACMG Guidelines, 2015. Collection method: clinical testing. Allele origin: germline.
Comment: This missense variant replaces glutamic acid with lysine at codon 1899 of the MYH11 protein. Computational prediction suggests that this variant may have deleterious impact on protein structure and function (internally defined REVEL score threshold >= 0.7, PMID: 27666373). To our knowledge, functional studies have not been reported for this variant. This variant has not been reported in individuals affected with cardiovascular disorders in the literature. This variant has not been identified in the general population by the Genome Aggregation Database (gnomAD). The available evidence is insufficient to determine the role of this variant in disease conclusively. Therefore, this variant is classified as a Variant of Uncertain Significance.

Labcorp Genetics (formerly Invitae), Labcorp
Classification: Uncertain significance for Aortic aneurysm, familial thoracic 4. Last evaluated: 2023-09-04. Review status: criteria provided, single submitter. Criteria: Invitae Variant Classification Sherloc (09022015). Collection method: clinical testing. Allele origin: germline.
Comment: This variant has not been reported in the literature in individuals affected with MYH11-related conditions. In summary, the available evidence is currently insufficient to determine the role of this variant in disease. Therefore, it has been classified as a Variant of Uncertain Significance. Advanced modeling of protein sequence and biophysical properties (such as structural, functional, and spatial information, amino acid conservation, physicochemical variation, residue mobility, and thermodynamic stability) has been performed at Invitae for this missense variant, however the output from this modeling did not meet the statistical confidence thresholds required to predict the impact of this variant on MYH11 protein function. This variant is not present in population databases (gnomAD no frequency). This sequence change replaces glutamic acid, which is acidic and polar, with lysine, which is basic and polar, at codon 1899 of the MYH11 protein (p.Glu1899Lys).

NM_002474.3(MYH11):c.5674G>A (p.Glu1892Lys)

Genes: NDE1 (nudE neurodevelopment protein 1; plus strand), MYH11 (myosin heavy chain 11; minus strand). Cytogenetic location: 16p13.11.
Variant type: single nucleotide variant.
Coding change: c.5674G>A on transcript NM_002474.3 (MANE Select); coding-DNA position 5674, G replaced by A.
Protein change: p.Glu1892Lys; replaces glutamic acid 1892 with lysine.
Molecular consequence: missense variant. On other transcripts: intron variant (2).
Genome position (GRCh38, 1-based): chr16:15,715,021, C>T on the plus strand (G>A on the coding strand, the complement: MYH11 is on the minus strand). VCF-style: chr16-15715021-C-T. GRCh37 (hg19) VCF-style: chr16-15808878-C-T.
Other names: c.5695G>A, p.Glu1899Lys (NM_001040113.2, NM_001040114.2); c.5674G>A, p.Glu1892Lys (NM_022844.3); c.948-9170C>T (NM_001143979.2, NM_017668.3); short protein forms E1892K, E1899K.
Identifiers: ClinVar variation 2773783 (VCV002773783.5), dbSNP rs753304573, ClinGen allele CA394846883.